The following is an entry in ClinVar:

NM_001122630.2(CDKN1C):c.667G>A (p.Gly223Ser)

Gene: CDKN1C (cyclin dependent kinase inhibitor 1C; minus strand). Cytogenetic location: 11p15.4.
Variant type: single nucleotide variant.
Coding change: c.667G>A on transcript NM_001122630.2 (MANE Select); coding-DNA position 667, G replaced by A.
Protein change: p.Gly223Ser; replaces glycine 223 with serine.
Molecular consequence: missense variant. On other transcripts: intron variant (1).
Genome position (GRCh38, 1-based): chr11:2,884,790, C>T on the plus strand (G>A on the coding strand, the complement: CDKN1C is on the minus strand). VCF-style: chr11-2884790-C-T. GRCh37 (hg19) VCF-style: chr11-2906020-C-T.
Other names: c.700G>A, p.Gly234Ser (NM_000076.2, NM_001362474.2); c.667G>A, p.Gly223Ser (NM_001122631.2); c.255+412G>A (NM_001362475.2); short protein forms G234S, G223S.
Identifiers: ClinVar variation 2740227 (VCV002740227.3), dbSNP rs1848924456, ClinGen allele CA379145820.

ClinVar aggregate classification (germline): Uncertain significance (1 of 4 stars; one submission).

Conditions:
Beckwith-Wiedemann syndrome (BWS). Also called: EMG SYNDROME; Exomphalos macroglossia gigantism syndrome. Identifiers: Orphanet 116, MedGen C0004903, MONDO:0007534, OMIM 130650.

Submission:

Labcorp Genetics (formerly Invitae), Labcorp
Classification: Uncertain significance for Beckwith-Wiedemann syndrome. Last evaluated: 2025-01-20. Review status: criteria provided, single submitter. Criteria: Invitae Variant Classification Sherloc (09022015). Collection method: clinical testing. Allele origin: germline.
Comment: This sequence change replaces glycine, which is neutral and non-polar, with serine, which is neutral and polar, at codon 234 of the CDKN1C protein (p.Gly234Ser). This variant is not present in population databases (gnomAD no frequency). This variant has not been reported in the literature in individuals affected with CDKN1C-related conditions. ClinVar contains an entry for this variant (Variation ID: 2740227). Invitae Evidence Modeling of protein sequence and biophysical properties (such as structural, functional, and spatial information, amino acid conservation, physicochemical variation, residue mobility, and thermodynamic stability) indicates that this missense variant is not expected to disrupt CDKN1C protein function with a negative predictive value of 80%. In summary, the available evidence is currently insufficient to determine the role of this variant in disease. Therefore, it has been classified as a Variant of Uncertain Significance.